The following is an entry in ClinVar:

NM_000059.4(BRCA2):c.9563A>G (p.Asp3188Gly)

Gene: BRCA2 (BRCA2 DNA repair associated; plus strand). Cytogenetic location: 13q13.1.
Variant type: single nucleotide variant.
Coding change: c.9563A>G on transcript NM_000059.4 (MANE Select); coding-DNA position 9563, A replaced by G.
Protein change: p.Asp3188Gly; replaces aspartic acid 3188 with glycine.
Molecular consequence: missense variant.
Genome position (GRCh38, 1-based): chr13:32,396,959, A>G. VCF-style: chr13-32396959-A-G. GRCh37 (hg19) VCF-style: chr13-32971096-A-G.
Other names: short protein forms D3188G.
Identifiers: ClinVar variation 409585 (VCV000409585.14), dbSNP rs779194753, ClinGen allele CA16614402.
Genomic context (GRCh38, chr13:32,396,959, plus strand): 5'-ATATTGACATACTTTGCAATGAAGCAGAAAACAAGCTTATGCATATACTGCATGCAAATG[A>G]TCCCAAGTGGTCCACCCCAACTAAAGACTGTACTTCAGGGCCGTACACTGCTCAAATCAT-3'
Protein context (NP_000050.3, residues 3178-3198): NKLMHILHAN[Asp3188Gly]PKWSTPTKDC

ClinVar aggregate classification (germline): Uncertain significance. Review status: criteria provided, multiple submitters, no conflicts (2 of 4 stars). 2 submissions from 2 submitters: Uncertain significance (2). Last evaluated 2025-01-03.

Conditions:
Hereditary breast ovarian cancer syndrome. Also called: Hereditary breast and ovarian cancer; Hereditary breast and/or ovarian cancer syndrome; BRCA1- and BRCA2-Associated Hereditary Breast and Ovarian Cancer; Hereditary breast and ovarian cancer syndrome; Hereditary breast and ovarian cancer syndrome (HBOC); Breast and ovarian cancer. Identifiers: Orphanet 145, MedGen C0677776, MeSH D061325, MONDO:0003582. Disease mechanism: loss of function.
Hereditary cancer-predisposing syndrome. Also called: Tumor predisposition; Hereditary Cancer Syndrome; Hereditary neoplastic syndrome; Neoplastic Syndromes, Hereditary. Identifiers: Orphanet 140162, MedGen C0027672, MeSH D009386, MONDO:0015356.

Submissions (2):

Ambry Genetics
Classification: Uncertain significance for Hereditary cancer-predisposing syndrome. Last evaluated: 2025-01-03. Review status: criteria provided, single submitter. Criteria: Ambry Variant Classification Scheme 2023. Collection method: clinical testing. Allele origin: germline.
Comment: The p.D3188G variant (also known as c.9563A>G), located in coding exon 25 of the BRCA2 gene, results from an A to G substitution at nucleotide position 9563. The aspartic acid at codon 3188 is replaced by glycine, an amino acid with similar properties. This amino acid position is not well conserved in available vertebrate species. In addition, the in silico prediction for this alteration is inconclusive. Based on the available evidence, the clinical significance of this variant remains unclear.

Labcorp Genetics (formerly Invitae), Labcorp
Classification: Uncertain significance for Hereditary breast ovarian cancer syndrome. Last evaluated: 2016-09-23. Review status: criteria provided, single submitter. Criteria: Invitae Variant Classification Sherloc (09022015). Collection method: clinical testing. Allele origin: germline.
Comment: This sequence change replaces aspartic acid with glycine at codon 3188 of the BRCA2 protein (p.Asp3188Gly). The aspartic acid residue is weakly conserved and there is a moderate physicochemical difference between aspartic acid and glycine. This variant is not present in population databases (ExAC no frequency) and has not been reported in the literature in individuals with a BRCA2-related disease. Algorithms developed to predict the effect of missense changes on protein structure and function output the following: (SIFT: "Tolerated"; PolyPhen-2: "Benign"; Align-GVGD: "Class C0"). The glycine amino acid residue is also found in multiple mammalian species, suggesting that this missense change does not adversely affect protein function. These predictions have not been confirmed by published functional studies. In summary, this variant is a novel missense change that is not predicted to affect protein function. There is no indication that it causes disease, but the available evidence is currently insufficient to prove that conclusively. Therefore, it has been classified as a Variant of Uncertain Significance.